The following is an entry in ClinVar:

ClinVar aggregate classification (germline): Conflicting classifications of pathogenicity. Review status: criteria provided, conflicting classifications (1 of 4 stars). 2 submissions from 2 submitters: Uncertain significance (1); Likely benign (1). Last evaluated 2023-03-23.

Conditions:
Hereditary breast ovarian cancer syndrome. Also called: Hereditary breast and/or ovarian cancer syndrome; Hereditary breast and ovarian cancer syndrome; Hereditary breast and ovarian cancer; Hereditary breast and ovarian cancer syndrome (HBOC); Breast and ovarian cancer; BRCA1- and BRCA2-Associated Hereditary Breast and Ovarian Cancer. Identifiers: Orphanet 145, MedGen C0677776, MeSH D061325, MONDO:0003582. Disease mechanism: loss of function.
Hereditary cancer-predisposing syndrome. Also called: Hereditary neoplastic syndrome; Neoplastic Syndromes, Hereditary; Tumor predisposition; Hereditary Cancer Syndrome. Identifiers: Orphanet 140162, MedGen C0027672, MeSH D009386, MONDO:0015356.

Submissions (2):

University of Washington Department of Laboratory Medicine, University of Washington
Classification: Likely benign for Hereditary cancer-predisposing syndrome. Last evaluated: 2023-03-23. Review status: criteria provided, single submitter. Criteria: Dines et al. (Genet Med. 2020). Collection method: curation. Allele origin: germline.
Comment: Missense variant in a coldspot region where missense variants are very unlikely to be pathogenic (PMID:31911673).

BRCA2 exon 11 coldspot. Reclassification based on statistical prior probability.

Labcorp Genetics (formerly Invitae), Labcorp
Classification: Uncertain significance for Hereditary breast ovarian cancer syndrome. Last evaluated: 2022-02-17. Review status: criteria provided, single submitter. Criteria: Invitae Variant Classification Sherloc (09022015). Collection method: clinical testing. Allele origin: germline.
Comment: This variant is not present in population databases (gnomAD no frequency). This sequence change replaces leucine, which is neutral and non-polar, with proline, which is neutral and non-polar, at codon 1604 of the BRCA2 protein (p.Leu1604Pro). This variant has not been reported in the literature in individuals affected with BRCA2-related conditions. Advanced modeling of protein sequence and biophysical properties (such as structural, functional, and spatial information, amino acid conservation, physicochemical variation, residue mobility, and thermodynamic stability) performed at Invitae indicates that this missense variant is not expected to disrupt BRCA2 protein function. In summary, the available evidence is currently insufficient to determine the role of this variant in disease. Therefore, it has been classified as a Variant of Uncertain Significance.

NM_000059.4(BRCA2):c.4811T>C (p.Leu1604Pro)

Gene: BRCA2 (BRCA2 DNA repair associated; plus strand). Cytogenetic location: 13q13.1.
Variant type: single nucleotide variant.
Coding change: c.4811T>C on transcript NM_000059.4 (MANE Select); coding-DNA position 4811, T replaced by C.
Protein change: p.Leu1604Pro; replaces leucine 1604 with proline.
Molecular consequence: missense variant.
Genome position (GRCh38, 1-based): chr13:32,339,166, T>C. VCF-style: chr13-32339166-T-C. GRCh37 (hg19) VCF-style: chr13-32913303-T-C.
Other names: c.4811T>C, p.Leu1604Pro (NM_001406719.1, NM_001406720.1); short protein forms L1604P.
Identifiers: ClinVar variation 2097812 (VCV002097812.6), dbSNP rs2137510510, ClinGen allele CA387783281.